The following is an entry in ClinVar:

NM_005751.5(AKAP9):c.3041C>T (p.Thr1014Ile)

Gene: AKAP9 (A-kinase anchoring protein 9; plus strand). Cytogenetic location: 7q21.2.
Variant type: single nucleotide variant.
Coding change: c.3041C>T on transcript NM_005751.5 (MANE Select); coding-DNA position 3041, C replaced by T.
Protein change: p.Thr1014Ile; replaces threonine 1014 with isoleucine.
Molecular consequence: missense variant.
Genome position (GRCh38, 1-based): chr7:92,002,958, C>T. VCF-style: chr7-92002958-C-T. GRCh37 (hg19) VCF-style: chr7-91632272-C-T.
Other names: c.3041C>T, p.Thr1014Ile (NM_147185.3); short protein forms T1014I.
Identifiers: ClinVar variation 1799164 (VCV001799164.2), dbSNP rs1245398203, ClinGen allele CA368125508.
Genomic context (GRCh38, chr7:92,002,958, plus strand): 5'-GTAGAGAGCTAGAAATCATTATTAACCACAACAGGGCAGAAAATGTACAGTCATGTGATA[C>T]TCAAGTAAGCTCTTTATTAGATGGAGTTGTGACCATGACAAGCAGGGGTGCTGAAGGATC-3'
Protein context (NP_005742.4, residues 1004-1024): NRAENVQSCD[Thr1014Ile]QVSSLLDGVV

ClinVar aggregate classification (germline): Uncertain significance (1 of 4 stars; one submission).

Conditions:
Cardiovascular phenotype. Identifiers: MedGen CN230736.

gnomAD v4.1: 1 of 1,613,048 alleles (0.000062%); highest among the groups gnomAD compares: South Asian, 0.0011%; no homozygotes.

Submission:

Ambry Genetics
Classification: Uncertain significance for Cardiovascular phenotype. Last evaluated: 2020-11-12. Review status: criteria provided, single submitter. Criteria: Ambry Variant Classification Scheme 2023. Collection method: clinical testing. Allele origin: germline.
Comment: The p.T1014I variant (also known as c.3041C>T), located in coding exon 8 of the AKAP9 gene, results from a C to T substitution at nucleotide position 3041. The threonine at codon 1014 is replaced by isoleucine, an amino acid with similar properties. This amino acid position is poorly conserved in available vertebrate species. In addition, this alteration is predicted to be tolerated by in silico analysis. Since supporting evidence is limited at this time, the clinical significance of this alteration remains unclear.